The following is an entry in ClinVar:

NM_032119.4(ADGRV1):c.16732G>A (p.Asp5578Asn)

Gene: ADGRV1 (adhesion G protein-coupled receptor V1; plus strand). Cytogenetic location: 5q14.3.
Variant type: single nucleotide variant.
Coding change: c.16732G>A on transcript NM_032119.4 (MANE Select); coding-DNA position 16732, G replaced by A.
Protein change: p.Asp5578Asn; replaces aspartic acid 5578 with asparagine.
Molecular consequence: missense variant. On other transcripts: non-coding transcript variant (1).
Genome position (GRCh38, 1-based): chr5:90,840,698, G>A. VCF-style: chr5-90840698-G-A. GRCh37 (hg19) VCF-style: chr5-90136515-G-A.
Other names: short protein forms D5578N.
Identifiers: ClinVar variation 854042 (VCV000854042.13), dbSNP rs747302299, ClinGen allele CA3342223.
Genomic context (GRCh38, chr5:90,840,698, plus strand): 5'-GATTTTGTGATAACTGAAGGCACATTGGTCTTTGAACCTGGCCAGAGAAGCACTGTATTG[G>A]ATGTCATCCTAACGCCAGAGACAGGATCTTTAAATTCATTTCCTAAACGCTTCCAGATTG-3'
Protein context (NP_115495.3, residues 5568-5588): FEPGQRSTVL[Asp5578Asn]VILTPETGSL

ClinVar aggregate classification (germline): Conflicting classifications of pathogenicity. Review status: criteria provided, conflicting classifications (1 of 4 stars). 2 submissions from 2 submitters: Uncertain significance (1); Likely benign (1). Last evaluated 2025-04-28.

Allele frequency attached by ClinVar (database versions not stated): gnomAD exomes 0.00001 and 0.00003; TOPMed 0.00001; ExAC 0.00002.
gnomAD v4.1: 7 of 1,614,008 alleles (0.00043%); highest among the groups gnomAD compares: Admixed American, 0.012%; no homozygotes.

Submissions (2):

Labcorp Genetics (formerly Invitae), Labcorp
Classification: Likely benign. Last evaluated: 2025-04-28. Review status: criteria provided, single submitter. Criteria: Invitae Variant Classification Sherloc (09022015). Collection method: clinical testing. Allele origin: germline.

GeneDx
Classification: Uncertain significance. Last evaluated: 2024-06-15. Review status: criteria provided, single submitter. Criteria: GeneDx Variant Classification Process June 2021. Collection method: clinical testing. Allele origin: germline. Affected: yes.
Comment: In silico analysis indicates that this missense variant does not alter protein structure/function; Has not been previously published as pathogenic or benign to our knowledge